The following is an entry in ClinVar:

ClinVar aggregate classification (germline): Uncertain significance (1 of 4 stars; one submission).

Conditions:
Neurofibromatosis, type 1 (NF1). Also called: Neurofibromatosis, type I; VON RECKLINGHAUSEN DISEASE; Peripheral type neurofibromatosis; NEUROFIBROMATOSIS, TYPE I, SOMATIC. Identifiers: Orphanet 636, MedGen C0027831, MONDO:0018975, OMIM 162200. Disease mechanism: loss of function.

Submission:

Labcorp Genetics (formerly Invitae), Labcorp
Classification: Uncertain significance for Neurofibromatosis, type 1. Last evaluated: 2019-05-14. Review status: criteria provided, single submitter. Criteria: Invitae Variant Classification Sherloc (09022015). Collection method: clinical testing. Allele origin: germline.
Comment: In summary, the available evidence is currently insufficient to determine the role of this variant in disease. Therefore, it has been classified as a Variant of Uncertain Significance. Algorithms developed to predict the effect of missense changes on protein structure and function are either unavailable or do not agree on the potential impact of this missense change (SIFT: "Deleterious"; PolyPhen-2: "Probably Damaging"; Align-GVGD: "Class C0"). This variant has not been reported in the literature in individuals with NF1-related conditions. This variant is not present in population databases (ExAC no frequency). This sequence change replaces aspartic acid with asparagine at codon 1480 of the NF1 protein (p.Asp1480Asn). The aspartic acid residue is moderately conserved and there is a small physicochemical difference between aspartic acid and asparagine.

NM_001042492.3(NF1):c.4501G>A (p.Asp1501Asn)

Gene: NF1 (neurofibromin 1; plus strand). Cytogenetic location: 17q11.2.
Variant type: single nucleotide variant.
Coding change: c.4501G>A on transcript NM_001042492.3 (MANE Select); coding-DNA position 4501, G replaced by A.
Protein change: p.Asp1501Asn; replaces aspartic acid 1501 with asparagine.
Molecular consequence: missense variant.
Genome position (GRCh38, 1-based): chr17:31,260,439, G>A. VCF-style: chr17-31260439-G-A. GRCh37 (hg19) VCF-style: chr17-29587457-G-A.
Other names: c.4438G>A, p.Asp1480Asn (NM_000267.4); short protein forms D1501N, D1480N.
Identifiers: ClinVar variation 855828 (VCV000855828.6), dbSNP rs2067664389, ClinGen allele CA398999521.
Genomic context (GRCh38, chr17:31,260,439, plus strand): 5'-GATATAGCATCTGATTGTCCTACAAGTGATGCAGTAAATCATAGTCTTTCCTTCATAAGT[G>A]ACGGCAATGTGCTTGCTTTACATCGTCTACTCTGGAACAATCAGGAGAAAATTGGGCAGT-3'
Protein context (NP_001035957.1, residues 1491-1511): AVNHSLSFIS[Asp1501Asn]GNVLALHRLL